The following is an entry in ClinVar:

ClinVar aggregate classification (germline): Likely pathogenic (1 of 4 stars; one submission).

Conditions:
Neurofibromatosis, type 1 (NF1). Also called: VON RECKLINGHAUSEN DISEASE; Neurofibromatosis, type I; NEUROFIBROMATOSIS, TYPE I, SOMATIC; Peripheral type neurofibromatosis. Identifiers: Orphanet 636, MedGen C0027831, MONDO:0018975, OMIM 162200. Disease mechanism: loss of function.

Submission:

Institute for Genomic Medicine (IGM) Clinical Laboratory, Nationwide Children's Hospital
Classification: Likely pathogenic for Neurofibromatosis, type 1. Last evaluated: 2025-07-20. Review status: criteria provided, single submitter. Criteria: ACMG Guidelines, 2015. Collection method: clinical testing. Allele origin: germline.
Comment: This variant is predicted to result in loss of function through nonsense-mediated decay of the encoded transcript or premature truncation of the encoded protein in a gene in which loss of function is a known mechanism of disease (ACMG/AMP: PVS1; PMIDs:20301288, 23656349, 33919865). This variant is absent from or present at an exceedingly low frequency in gnomAD, a large-scale control population database (ACMG/AMP: PM2).

Literature cited by the submitters: PubMed 20301288; PubMed 23656349; PubMed 33919865.

NM_001042492.3(NF1):c.3747del (p.Arg1250fs)

Gene: NF1 (neurofibromin 1; plus strand). Cytogenetic location: 17q11.2.
Variant type: Deletion.
Coding change: c.3747del on transcript NM_001042492.3 (MANE Select); coding-DNA position 3747, one base deleted (T; older notation c.3747delT).
Protein change: p.Arg1250fs; shifts the reading frame from arginine 1250.
Molecular consequence: frameshift variant.
Genome position (GRCh38, 1-based): chr17:31,235,649, T deleted. VCF-style (leftmost placement, unchanged base first): chr17-31235648-CT-C. GRCh37 (hg19) VCF-style: chr17-29562666-CT-C.
Other names: c.3747del, p.Arg1250fs (NM_000267.4); short protein forms R1250fs.
Identifiers: ClinVar variation 4759302 (VCV004759302.1).